The following is an entry in ClinVar:

ClinVar aggregate classification (germline): Uncertain significance (1 of 4 stars; one submission).

Allele frequency attached by ClinVar (database versions not stated): ExAC 0.00001; gnomAD 0.00001; 1000 Genomes Project 30x 0.00016; 1000 Genomes Project 0.00020.
gnomAD v4.1: 2 of 1,614,012 alleles (0.00012%); highest among the groups gnomAD compares: Admixed American, 0.0033%; no homozygotes.

Submission:

Labcorp Genetics (formerly Invitae), Labcorp
Classification: Uncertain significance. Last evaluated: 2022-01-11. Review status: criteria provided, single submitter. Criteria: Invitae Variant Classification Sherloc (09022015). Collection method: clinical testing. Allele origin: germline.
Comment: This sequence change replaces valine, which is neutral and non-polar, with leucine, which is neutral and non-polar, at codon 2791 of the USH2A protein (p.Val2791Leu). This variant is present in population databases (rs542700034, gnomAD 0.006%). This missense change has been observed in individual(s) with retinitis pigmentosa (Invitae). Algorithms developed to predict the effect of missense changes on protein structure and function are either unavailable or do not agree on the potential impact of this missense change (SIFT: "Deleterious"; PolyPhen-2: "Probably Damaging"; Align-GVGD: "Class C0"). This variant disrupts the p.Val2791 amino acid residue in USH2A. Other variant(s) that disrupt this residue have been observed in individuals with USH2A-related conditions (PMID: 29625443), which suggests that this may be a clinically significant amino acid residue. In summary, the available evidence is currently insufficient to determine the role of this variant in disease. Therefore, it has been classified as a Variant of Uncertain Significance.

Literature cited by the submitters: PubMed 29625443.

NM_206933.4(USH2A):c.8371G>C (p.Val2791Leu)

Gene: USH2A (usherin; minus strand). Cytogenetic location: 1q41.
Variant type: single nucleotide variant.
Coding change: c.8371G>C on transcript NM_206933.4 (MANE Select); coding-DNA position 8371, G replaced by C.
Protein change: p.Val2791Leu; replaces valine 2791 with leucine.
Molecular consequence: missense variant.
Genome position (GRCh38, 1-based): chr1:215,878,951, C>G on the plus strand (G>C on the coding strand, the complement: USH2A is on the minus strand). VCF-style: chr1-215878951-C-G. GRCh37 (hg19) VCF-style: chr1-216052293-C-G.
Other names: short protein forms V2791L.
Identifiers: ClinVar variation 1986212 (VCV001986212.1), dbSNP rs542700034, ClinGen allele CA1394622.
Genomic context (GRCh38, chr1:215,878,951, plus strand): 5'-GTAAACTCTCTGTGCACCCTCCAAGGTACCCATTACCCCCTGAGCAAGCAACAATGGTGA[C>G]AGAATAATTAGTGAAAGGAATCAGATGAGTAACTTTTTGACTTAACACTGCGGAAGTCAC-3'
Protein context (NP_996816.3, residues 2781-2801): THLIPFTNYS[Val2791Leu]TIVACSGGNG